The following is an entry in ClinVar:

NM_000152.5(GAA):c.2345C>T (p.Ala782Val)

Gene: GAA (alpha glucosidase; plus strand). Cytogenetic location: 17q25.3.
Variant type: single nucleotide variant.
Coding change: c.2345C>T on transcript NM_000152.5 (MANE Select); coding-DNA position 2345, C replaced by T.
Protein change: p.Ala782Val; replaces alanine 782 with valine.
Molecular consequence: missense variant.
Genome position (GRCh38, 1-based): chr17:80,117,613, C>T. VCF-style: chr17-80117613-C-T. GRCh37 (hg19) VCF-style: chr17-78091412-C-T.
Other names: c.2345C>T, p.Ala782Val (NM_001079803.3, NM_001079804.3); short protein forms A782V.
Identifiers: ClinVar variation 1425361 (VCV001425361.5), dbSNP rs994916972, ClinGen allele CA294857130.

ClinVar aggregate classification (germline): Uncertain significance (1 of 4 stars; one submission).

Conditions:
Glycogen storage disease, type II (IOPD). Also called: Aglucosidase alfa; Deficiency of alpha-glucosidase; Deficiency of lysosomal alpha-glucosidase; CARDIOMEGALIA GLYCOGENICA DIFFUSA; Glucosidase acid-1,4-alpha deficiency; Pompe Disease. Identifiers: Orphanet 365, MedGen C0017921, MONDO:0009290, OMIM 232300.

Allele frequency attached by ClinVar (database versions not stated): gnomAD 0.00001; gnomAD exomes 0.00001; TOPMed 0.00001.
gnomAD v4.1: 10 of 1,612,774 alleles (0.00062%); highest among the groups gnomAD compares: Non-Finnish European, 0.00085%; no homozygotes.

Submission:

Labcorp Genetics (formerly Invitae), Labcorp
Classification: Uncertain significance for Glycogen storage disease, type II. Last evaluated: 2022-07-25. Review status: criteria provided, single submitter. Criteria: Invitae Variant Classification Sherloc (09022015). Collection method: clinical testing. Allele origin: germline.
Comment: This sequence change replaces alanine, which is neutral and non-polar, with valine, which is neutral and non-polar, at codon 782 of the GAA protein (p.Ala782Val). This variant is not present in population databases (gnomAD no frequency). This variant has not been reported in the literature in individuals affected with GAA-related conditions. ClinVar contains an entry for this variant (Variation ID: 1425361). Advanced modeling of protein sequence and biophysical properties (such as structural, functional, and spatial information, amino acid conservation, physicochemical variation, residue mobility, and thermodynamic stability) performed at Invitae indicates that this missense variant is not expected to disrupt GAA protein function. In summary, the available evidence is currently insufficient to determine the role of this variant in disease. Therefore, it has been classified as a Variant of Uncertain Significance.